The following is an entry in ClinVar:

NM_170606.3(KMT2C):c.7397A>G (p.Tyr2466Cys)

Gene: KMT2C (lysine methyltransferase 2C; minus strand). Cytogenetic location: 7q36.1.
Variant type: single nucleotide variant.
Coding change: c.7397A>G on transcript NM_170606.3 (MANE Select); coding-DNA position 7397, A replaced by G.
Protein change: p.Tyr2466Cys; replaces tyrosine 2466 with cysteine.
Molecular consequence: missense variant.
Genome position (GRCh38, 1-based): chr7:152,179,879, T>C on the plus strand (A>G on the coding strand, the complement: KMT2C is on the minus strand). VCF-style: chr7-152179879-T-C. GRCh37 (hg19) VCF-style: chr7-151876964-T-C.
Other names: c.7397A>G (NM_170606.2); short protein forms Y2466C.
Identifiers: ClinVar variation 2413995 (VCV002413995.28), dbSNP rs199592124, ClinGen allele CA4579884.

ClinVar aggregate classification (germline): Likely benign. Review status: criteria provided, multiple submitters, no conflicts (2 of 4 stars). 3 submissions from 3 submitters: Likely benign (3). Last evaluated 2025-06-25.

Conditions:
Inborn genetic diseases. Identifiers: MedGen C0950123, MeSH D030342.

Allele frequency attached by ClinVar (database versions not stated): gnomAD 0.00001; gnomAD exomes 0.00001; TOPMed 0.00001; ExAC 0.00007; 1000 Genomes Project 30x 0.00016; 1000 Genomes Project 0.00020.
gnomAD v4.1: 24 of 1,614,054 alleles (0.0015%); highest among the groups gnomAD compares: South Asian, 0.013%; no homozygotes.

Submissions (3):

Ambry Genetics
Classification: Likely benign for Inborn genetic diseases. Last evaluated: 2025-06-25. Review status: criteria provided, single submitter. Criteria: Ambry Variant Classification Scheme 2023. Collection method: clinical testing. Allele origin: germline.

Labcorp Genetics (formerly Invitae), Labcorp
Classification: Likely benign. Last evaluated: 2025-06-20. Review status: criteria provided, single submitter. Criteria: Invitae Variant Classification Sherloc (09022015). Collection method: clinical testing. Allele origin: germline.

CeGaT Center for Human Genetics Tuebingen
Classification: Likely benign. Last evaluated: 2024-03-01. Review status: criteria provided, single submitter. Criteria: CeGaT Center For Human Genetics Tuebingen Variant Classification Criteria Version 2. Collection method: clinical testing. Allele origin: germline. Affected: yes. Observed: 1 variant allele.
Comment: KMT2C: BP4